The following is an entry in ClinVar:

NM_007215.4(POLG2):c.308G>T (p.Gly103Val)

Genes: POLG2 (DNA polymerase gamma 2, accessory subunit; minus strand), MILR1 (mast cell immunoglobulin like receptor 1; plus strand). Cytogenetic location: 17q23.3.
Variant type: single nucleotide variant.
Coding change: c.308G>T on transcript NM_007215.4 (MANE Select); coding-DNA position 308, G replaced by T.
Protein change: p.Gly103Val; replaces glycine 103 with valine.
Molecular consequence: missense variant.
Genome position (GRCh38, 1-based): chr17:64,496,661, C>A on the plus strand (G>T on the coding strand, the complement: POLG2 is on the minus strand). VCF-style: chr17-64496661-C-A. GRCh37 (hg19) VCF-style: chr17-62492779-C-A.
Other names: c.308G>T (NM_007215.3); short protein forms G103V.
Identifiers: ClinVar variation 1495988 (VCV001495988.7), dbSNP rs2038157738, ClinGen allele CA400641206.

ClinVar aggregate classification (germline): Uncertain significance. Review status: criteria provided, multiple submitters, no conflicts (2 of 4 stars). 2 submissions from 2 submitters: Uncertain significance (2). Last evaluated 2025-07-13.

Allele frequency attached by ClinVar (database versions not stated): TOPMed below 0.00001.
gnomAD v4.1: 4 of 1,614,036 alleles (0.00025%); highest among the groups gnomAD compares: Admixed American, 0.0033%; no homozygotes.

Submissions (2):

Labcorp Genetics (formerly Invitae), Labcorp
Classification: Uncertain significance. Last evaluated: 2025-07-13. Review status: criteria provided, single submitter. Criteria: Invitae Variant Classification Sherloc (09022015). Collection method: clinical testing. Allele origin: germline.
Comment: This sequence change replaces glycine, which is neutral and non-polar, with valine, which is neutral and non-polar, at codon 103 of the POLG2 protein (p.Gly103Val). This variant is not present in population databases (gnomAD no frequency). This variant has not been reported in the literature in individuals affected with POLG2-related conditions. ClinVar contains an entry for this variant (Variation ID: 1495988). An algorithm developed to predict the effect of missense changes on protein structure and function (PolyPhen-2) suggests that this variant is likely to be disruptive. In summary, the available evidence is currently insufficient to determine the role of this variant in disease. Therefore, it has been classified as a Variant of Uncertain Significance.

Ambry Genetics
Classification: Uncertain significance. Last evaluated: 2024-12-10. Review status: criteria provided, single submitter. Criteria: Ambry Variant Classification Scheme 2023. Collection method: clinical testing. Allele origin: germline.